The following is an entry in ClinVar:

ClinVar aggregate classification (germline): Uncertain significance. Review status: criteria provided, multiple submitters, no conflicts (2 of 4 stars). 2 submissions from 2 submitters: Uncertain significance (2). Last evaluated 2025-04-07.

Submissions (2):

Dasa
Classification: Uncertain significance. Last evaluated: 2025-04-07. Review status: criteria provided, single submitter. Criteria: DASA Assertion Criteria. Collection method: clinical testing. Allele origin: germline.
Comment: NM_001007527.2(LMBRD2):c.1364T>G (p.Ile455Ser) is a missense variant that results in the substitution of isoleucine with serine. This variant is absent from population databases. Computational prediction algorithms are consistent with a deleterious effect. The currently available literature and clinical evidence are not sufficient to establish a definitive association between this variant and the reported condition. Therefore, this variant is classified as a variant of uncertain significance.

GeneDx
Classification: Uncertain significance. Last evaluated: 2023-07-26. Review status: criteria provided, single submitter. Criteria: GeneDx Variant Classification Process June 2021. Collection method: clinical testing. Allele origin: germline. Affected: yes.
Comment: Not observed at significant frequency in large population cohorts (gnomAD); In silico analysis supports that this missense variant has a deleterious effect on protein structure/function; Has not been previously published as pathogenic or benign to our knowledge

NM_001007527.2(LMBRD2):c.1364T>G (p.Ile455Ser)

Gene: LMBRD2 (LMBR1 domain containing 2; minus strand). Cytogenetic location: 5p13.2.
Variant type: single nucleotide variant.
Coding change: c.1364T>G on transcript NM_001007527.2 (MANE Select); coding-DNA position 1364, T replaced by G.
Protein change: p.Ile455Ser; replaces isoleucine 455 with serine.
Molecular consequence: missense variant.
Genome position (GRCh38, 1-based): chr5:36,116,532, A>C on the plus strand (T>G on the coding strand, the complement: LMBRD2 is on the minus strand). VCF-style: chr5-36116532-A-C. GRCh37 (hg19) VCF-style: chr5-36116634-A-C.
Other names: short protein forms I455S.
Identifiers: ClinVar variation 3361387 (VCV003361387.3).